The following is an entry in ClinVar:

ClinVar aggregate classification (germline): Uncertain significance. Review status: criteria provided, multiple submitters, no conflicts (2 of 4 stars). 2 submissions from 2 submitters: Uncertain significance (2). Last evaluated 2023-05-08.

Conditions:
Congenital muscular dystrophy due to integrin alpha-7 deficiency. Also called: MYOPATHY, CONGENITAL, DUE TO INTEGRIN ALPHA-7 DEFICIENCY; Congenital muscular dystrophy with integrin alpha-7 deficiency; Muscular dystrophy, congenital, due to ITGA7 deficiency. Identifiers: Orphanet 34520, MedGen C2750786, MONDO:0013177, OMIM 613204.

Allele frequency attached by ClinVar (database versions not stated): ExAC 0.00001; gnomAD exomes 0.00002.
gnomAD v4.1: 14 of 1,614,126 alleles (0.00087%); highest among the groups gnomAD compares: South Asian, 0.013%; no homozygotes.

Submissions (2):

Labcorp Genetics (formerly Invitae), Labcorp
Classification: Uncertain significance for Congenital muscular dystrophy due to integrin alpha-7 deficiency. Last evaluated: 2023-05-08. Review status: criteria provided, single submitter. Criteria: Invitae Variant Classification Sherloc (09022015). Collection method: clinical testing. Allele origin: germline.
Comment: In summary, the available evidence is currently insufficient to determine the role of this variant in disease. Therefore, it has been classified as a Variant of Uncertain Significance. Advanced modeling of protein sequence and biophysical properties (such as structural, functional, and spatial information, amino acid conservation, physicochemical variation, residue mobility, and thermodynamic stability) performed at Invitae indicates that this missense variant is not expected to disrupt ITGA7 protein function. ClinVar contains an entry for this variant (Variation ID: 1350033). This variant has not been reported in the literature in individuals affected with ITGA7-related conditions. This variant is present in population databases (rs567048373, gnomAD 0.02%). This sequence change replaces glycine, which is neutral and non-polar, with alanine, which is neutral and non-polar, at codon 435 of the ITGA7 protein (p.Gly435Ala).

Ambry Genetics
Classification: Uncertain significance. Last evaluated: 2021-09-01. Review status: criteria provided, single submitter. Criteria: Ambry Variant Classification Scheme 2023. Collection method: clinical testing. Allele origin: germline.

NM_002206.3(ITGA7):c.1304G>C (p.Gly435Ala)

Gene: ITGA7 (integrin subunit alpha 7; minus strand). Cytogenetic location: 12q13.2.
Variant type: single nucleotide variant.
Coding change: c.1304G>C on transcript NM_002206.3 (MANE Select); coding-DNA position 1304, G replaced by C.
Protein change: p.Gly435Ala; replaces glycine 435 with alanine.
Molecular consequence: missense variant. On other transcripts: intron variant (1).
Genome position (GRCh38, 1-based): chr12:55,697,800, C>G on the plus strand (G>C on the coding strand, the complement: ITGA7 is on the minus strand). VCF-style: chr12-55697800-C-G. GRCh37 (hg19) VCF-style: chr12-56091584-C-G.
Other names: c.1316G>C, p.Gly439Ala (NM_001144996.2, NM_001414029.1); c.1025G>C, p.Gly342Ala (NM_001144997.2); c.977G>C, p.Gly326Ala (NM_001367993.1); c.1304G>C, p.Gly435Ala (NM_001374465.1, NM_001414034.1); c.1436G>C, p.Gly479Ala (NM_001410977.1); c.1229G>C, p.Gly410Ala (NM_001414030.1); c.1217G>C, p.Gly406Ala (NM_001414031.1); c.1184G>C, p.Gly395Ala (NM_001414032.1); and 4 more; short protein forms G435A, G439A, G342A, G326A, G479A, G395A, G374A, G406A.
Identifiers: ClinVar variation 1350033 (VCV001350033.9), dbSNP rs567048373, ClinGen allele CA6615992.